The following is an entry in ClinVar:

ClinVar aggregate classification (germline): Uncertain significance (1 of 4 stars; one submission).

Conditions:
Neurofibromatosis, type 1 (NF1). Also called: VON RECKLINGHAUSEN DISEASE; Neurofibromatosis, type I; NEUROFIBROMATOSIS, TYPE I, SOMATIC; Peripheral type neurofibromatosis. Identifiers: Orphanet 636, MedGen C0027831, MONDO:0018975, OMIM 162200. Disease mechanism: loss of function.

Submission:

Labcorp Genetics (formerly Invitae), Labcorp
Classification: Uncertain significance for Neurofibromatosis, type 1. Last evaluated: 2021-03-24. Review status: criteria provided, single submitter. Criteria: Invitae Variant Classification Sherloc (09022015). Collection method: clinical testing. Allele origin: germline.
Comment: This sequence change replaces leucine with isoleucine at codon 1420 of the NF1 protein (p.Leu1420Ile). The leucine residue is moderately conserved and there is a small physicochemical difference between leucine and isoleucine. This variant is not present in population databases (ExAC no frequency). This variant has not been reported in the literature in individuals with NF1-related conditions. ClinVar contains an entry for this variant (Variation ID: 649377). Algorithms developed to predict the effect of missense changes on protein structure and function (SIFT, PolyPhen-2, Align-GVGD) all suggest that this variant is likely to be tolerated, but these predictions have not been confirmed by published functional studies and their clinical significance is uncertain. In summary, the available evidence is currently insufficient to determine the role of this variant in disease. Therefore, it has been classified as a Variant of Uncertain Significance.

NM_001042492.3(NF1):c.4321T>A (p.Leu1441Ile)

Gene: NF1 (neurofibromin 1; plus strand). Cytogenetic location: 17q11.2.
Variant type: single nucleotide variant.
Coding change: c.4321T>A on transcript NM_001042492.3 (MANE Select); coding-DNA position 4321, T replaced by A.
Protein change: p.Leu1441Ile; replaces leucine 1441 with isoleucine.
Molecular consequence: missense variant.
Genome position (GRCh38, 1-based): chr17:31,258,491, T>A. VCF-style: chr17-31258491-T-A. GRCh37 (hg19) VCF-style: chr17-29585509-T-A.
Other names: c.4258T>A, p.Leu1420Ile (NM_000267.4); short protein forms L1420I, L1441I.
Identifiers: ClinVar variation 649377 (VCV000649377.5), dbSNP rs786201458, ClinGen allele CA398998138.
Genomic context (GRCh38, chr17:31,258,491, plus strand): 5'-CCGTATGAAGCAGGGATTTTAGATAAAAAGCCACCACCTAGAATCGAAAGGGGCTTGAAG[T>A]TAATGTCAAAGGTGAATTATTTTGATAATCTAGCTATCTTAAATTCCCCTTCCAACTAAA-3'
Protein context (NP_001035957.1, residues 1431-1451): PPPRIERGLK[Leu1441Ile]MSKILQSIAN